The following is an entry in ClinVar:

ClinVar aggregate classification (germline): Benign (1 of 4 stars; one submission).

Allele frequency attached by ClinVar (database versions not stated): gnomAD 0.44713 and 0.44970; TOPMed 0.45290; 1000 Genomes Project 30x 0.46362; 1000 Genomes Project 0.46406.
gnomAD v4.1: 68,396 of 152,058 alleles (45%); highest among the groups gnomAD compares: East Asian, 52%; 15,374 homozygotes.

Submission:

GeneDx
Classification: Benign. Last evaluated: 2018-06-19. Review status: criteria provided, single submitter. Criteria: GeneDx Variant Classification (06012015). Collection method: clinical testing. Allele origin: germline. Affected: yes.
Comment: This variant is considered likely benign or benign based on one or more of the following criteria: it is a conservative change, it occurs at a poorly conserved position in the protein, it is predicted to be benign by multiple in silico algorithms, and/or has population frequency not consistent with disease.

NM_005045.4(RELN):c.5529+244A>G

Gene: RELN (reelin; minus strand). Cytogenetic location: 7q22.1.
Variant type: single nucleotide variant.
Coding change: c.5529+244A>G on transcript NM_005045.4 (MANE Select); 244 bases into the intron after coding-DNA position 5529, A replaced by G.
Molecular consequence: intron variant.
Genome position (GRCh38, 1-based): chr7:103,561,288, T>C on the plus strand (A>G on the coding strand, the complement: RELN is on the minus strand). VCF-style: chr7-103561288-T-C. GRCh37 (hg19) VCF-style: chr7-103201735-T-C.
Other names: c.5529+244A>G (NM_173054.3).
Identifiers: ClinVar variation 669132 (VCV000669132.1), dbSNP rs2535769, ClinGen allele CA163909922.